The following is an entry in ClinVar:

NM_000321.3(RB1):c.1163T>G (p.Ile388Ser)

Gene: RB1 (RB transcriptional corepressor 1; plus strand). Cytogenetic location: 13q14.2.
Variant type: single nucleotide variant.
Coding change: c.1163T>G on transcript NM_000321.3 (MANE Select); coding-DNA position 1163, T replaced by G.
Protein change: p.Ile388Ser; replaces isoleucine 388 with serine.
Molecular consequence: missense variant.
Genome position (GRCh38, 1-based): chr13:48,373,440, T>G. VCF-style: chr13-48373440-T-G. GRCh37 (hg19) VCF-style: chr13-48947576-T-G.
Other names: short protein forms I388S.
Identifiers: ClinVar variation 665312 (VCV000665312.15), dbSNP rs373623059, ClinGen allele CA027748.

ClinVar aggregate classification (germline): Conflicting classifications of pathogenicity. Review status: criteria provided, conflicting classifications (1 of 4 stars). 6 submissions from 6 submitters: Uncertain significance (4); Benign (1); Likely benign (1). Last evaluated 2025-09-22.

Conditions:
Retinoblastoma (RB1). Also called: RETINOBLASTOMA, SOMATIC. Identifiers: Orphanet 790, MedGen C0035335, MeSH D012175, MONDO:0008380, OMIM 180200, HP:0009919. Disease mechanism: loss of function. Inheritance: Both sporadic and heritable forms are tested..
Hereditary cancer-predisposing syndrome. Also called: Tumor predisposition; Hereditary neoplastic syndrome; Neoplastic Syndromes, Hereditary; Hereditary Cancer Syndrome. Identifiers: Orphanet 140162, MedGen C0027672, MeSH D009386, MONDO:0015356.
Malignant tumor of urinary bladder. Also called: Bladder cancer; Urinary bladder cancer; Urinary Bladder Neoplasms. Identifiers: MedGen C0005684, MONDO:0001187, OMIM 109800.

Allele frequency attached by ClinVar (database versions not stated): gnomAD exomes 0.00001; TOPMed 0.00001; ExAC 0.00002; ESP Exome Variant Server 0.00008.
gnomAD v4.1: 22 of 1,598,892 alleles (0.0014%); highest among the groups gnomAD compares: Non-Finnish European, 0.0017%; no homozygotes.

Submissions (6):

Labcorp Genetics (formerly Invitae), Labcorp
Classification: Benign for Retinoblastoma. Last evaluated: 2025-09-22. Review status: criteria provided, single submitter. Criteria: Invitae Variant Classification Sherloc (09022015). Collection method: clinical testing. Allele origin: germline.

Color Diagnostics, LLC DBA Color Health
Classification: Uncertain significance for Retinoblastoma. Last evaluated: 2025-07-03. Review status: criteria provided, single submitter. Criteria: ACMG Guidelines, 2015. Collection method: clinical testing. Allele origin: germline.
Comment: This missense variant replaces isoleucine with serine at codon 388 of the RB1 protein. Computational prediction is inconclusive regarding the impact of this variant on protein structure and function. To our knowledge, functional studies have not been reported for this variant. This variant has not been reported in individuals affected with RB1-related disorders in the literature. This variant has been identified in 3/250752 chromosomes in the general population by the Genome Aggregation Database (gnomAD). The available evidence is insufficient to determine the role of this variant in disease conclusively. Therefore, this variant is classified as a Variant of Uncertain Significance.

All of Us Research Program, National Institutes of Health
Classification: Uncertain significance for Retinoblastoma. Last evaluated: 2024-02-05. Review status: criteria provided, single submitter. Criteria: ACMG Guidelines, 2015. Collection method: clinical testing. Allele origin: germline. Inheritance: Autosomal dominant inheritance. Observed: 3 variant alleles, 3 heterozygotes.
Comment: This missense variant replaces isoleucine with serine at codon 388 of the RB1 protein. Computational prediction is inconclusive regarding the impact of this variant on protein structure and function (internally defined REVEL score threshold 0.5 < inconclusive < 0.7, PMID: 27666373). To our knowledge, functional studies have not been reported for this variant. This variant has not been reported in individuals affected with RB1-related disorders in the literature. This variant has been identified in 3/250752 chromosomes in the general population by the Genome Aggregation Database (gnomAD). The available evidence is insufficient to determine the role of this variant in disease conclusively. Therefore, this variant is classified as a Variant of Uncertain Significance.

This study involves interpretation of variants in research participants for the purpose of population health screening. Participant phenotype was not available at the time of variant classification. Additional details can be found in publication PMID: 35346344, PMCID: PMC8962531

Baylor Genetics
Classification: Uncertain significance for Malignant tumor of urinary bladder. Last evaluated: 2023-07-19. Review status: criteria provided, single submitter. Criteria: ACMG Guidelines, 2015. Collection method: clinical testing. Allele origin: unknown.

Ambry Genetics
Classification: Likely benign for Hereditary cancer-predisposing syndrome. Last evaluated: 2023-03-09. Review status: criteria provided, single submitter. Criteria: Ambry Variant Classification Scheme 2023. Collection method: clinical testing. Allele origin: germline.

GeneDx
Classification: Uncertain significance. Last evaluated: 2022-08-18. Review status: criteria provided, single submitter. Criteria: GeneDx Variant Classification Process June 2021. Collection method: clinical testing. Allele origin: germline. Affected: yes.
Comment: Not observed at significant frequency in large population cohorts (gnomAD); In silico analysis supports that this missense variant does not alter protein structure/function; Has not been previously published as pathogenic or benign to our knowledge; This variant is associated with the following publications: (PMID: Dayalan_2006_Review)